The following is an entry in ClinVar:

ClinVar aggregate classification (germline): Pathogenic (1 of 4 stars; one submission).

Conditions:
Primary ciliary dyskinesia. Also called: Ciliary dyskinesia. Identifiers: Orphanet 244, MedGen C0008780, MONDO:0016575, HP:0012265.

gnomAD v4.1: 8 of 1,612,014 alleles (0.0005%); highest among the groups gnomAD compares: African/African-American, 0.004%; no homozygotes.

Submission:

Labcorp Genetics (formerly Invitae), Labcorp
Classification: Pathogenic for Primary ciliary dyskinesia. Last evaluated: 2025-04-23. Review status: criteria provided, single submitter. Criteria: Invitae Variant Classification Sherloc (09022015). Collection method: clinical testing. Allele origin: germline.
Comment: This sequence change creates a premature translational stop signal (p.Arg3727*) in the DNAH8 gene. It is expected to result in an absent or disrupted protein product. Loss-of-function variants in DNAH8 are known to be pathogenic (PMID: 24307375, 32619401, 32681648). This variant is present in population databases (rs773513338, gnomAD 0.007%). This variant has not been reported in the literature in individuals affected with DNAH8-related conditions. For these reasons, this variant has been classified as Pathogenic.

Literature cited by the submitters: PubMed 24307375; PubMed 32619401; PubMed 32681648.

NM_001206927.2(DNAH8):c.11179C>T (p.Arg3727Ter)

Genes: DNAH8 (dynein axonemal heavy chain 8; plus strand), DNAH8-AS1 (DNAH8 antisense RNA 1; minus strand). Cytogenetic location: 6p21.2.
Variant type: single nucleotide variant.
Coding change: c.11179C>T on transcript NM_001206927.2 (MANE Select); coding-DNA position 11179, C replaced by T.
Protein change: p.Arg3727Ter; replaces arginine 3727 with a stop codon.
Molecular consequence: nonsense.
Genome position (GRCh38, 1-based): chr6:38,929,571, C>T. VCF-style: chr6-38929571-C-T. GRCh37 (hg19) VCF-style: chr6-38897347-C-T.
Other names: c.10528C>T, p.Arg3510Ter (NM_001371.4); short protein forms R3510*, R3727*.
Identifiers: ClinVar variation 4701766 (VCV004701766.1).